The following is an entry in ClinVar:

NM_005956.4(MTHFD1):c.1264+5T>G

Gene: MTHFD1 (methylenetetrahydrofolate dehydrogenase, cyclohydrolase and formyltetrahydrofolate synthetase 1; plus strand). Cytogenetic location: 14q23.3.
Variant type: single nucleotide variant.
Coding change: c.1264+5T>G on transcript NM_005956.4 (MANE Select); 5 bases into the intron after coding-DNA position 1264, T replaced by G.
Molecular consequence: intron variant.
Genome position (GRCh38, 1-based): chr14:64,427,478, T>G. VCF-style: chr14-64427478-T-G. GRCh37 (hg19) VCF-style: chr14-64894196-T-G.
Other names: c.1264+5T>G (NM_001364837.1).
Identifiers: ClinVar variation 4729361 (VCV004729361.1).

ClinVar aggregate classification (germline): Uncertain significance (1 of 4 stars; one submission).

Submission:

Labcorp Genetics (formerly Invitae), Labcorp
Classification: Uncertain significance. Last evaluated: 2025-10-23. Review status: criteria provided, single submitter. Criteria: Invitae Variant Classification Sherloc (09022015). Collection method: clinical testing. Allele origin: germline.
Comment: This sequence change falls in intron 12 of the MTHFD1 gene. It does not directly change the encoded amino acid sequence of the MTHFD1 protein. It affects a nucleotide within the consensus splice site. This variant is present in population databases (rs752964128, gnomAD 0.003%). This variant has not been reported in the literature in individuals affected with MTHFD1-related conditions. Variants that disrupt the consensus splice site are a relatively common cause of aberrant splicing (PMID: 17576681, 9536098). Algorithms developed to predict the effect of sequence changes on RNA splicing suggest that this variant is not likely to affect RNA splicing. In summary, the available evidence is currently insufficient to determine the role of this variant in disease. Therefore, it has been classified as a Variant of Uncertain Significance.

Literature cited by the submitters: PubMed 17576681; PubMed 9536098.